The following is an entry in ClinVar:

NM_001112704.2(VAX1):c.126C>T (p.Ala42=)

Gene: VAX1 (ventral anterior homeobox 1; minus strand). Cytogenetic location: 10q25.3.
Variant type: single nucleotide variant.
Coding change: c.126C>T on transcript NM_001112704.2 (MANE Select); coding-DNA position 126, C replaced by T.
Protein change: p.Ala42=; no amino-acid change (alanine 42 retained).
Molecular consequence: synonymous variant.
Genome position (GRCh38, 1-based): chr10:117,137,931, G>A on the plus strand (C>T on the coding strand, the complement: VAX1 is on the minus strand). VCF-style: chr10-117137931-G-A. GRCh37 (hg19) VCF-style: chr10-118897442-G-A.
Other names: c.126C>T, p.Ala42= (NM_199131.3).
Identifiers: ClinVar variation 766821 (VCV000766821.34), dbSNP rs148630891, ClinGen allele CA5709766.
Genomic context (GRCh38, chr10:117,137,931, plus strand): 5'-TTTGTTACAATCCTCAGCAGCGCCCGACGCTGAGAAGGCGCCCTGCGGCTCCTTGAGGAA[G>A]GCGGCTGGGAGGTTCCCCTCCGCGCCCTTGCTCTCCCGACTCTCCTTGTGCGCGTTCTTC-3'
Protein context (NP_001106175.1, residues 32-52): SKGAEGNLPA[Ala42=]FLKEPQGAFS

ClinVar aggregate classification (germline): Benign/Likely benign. Review status: criteria provided, multiple submitters, no conflicts (2 of 4 stars). 4 submissions from 4 submitters: Benign (2); Likely benign (2). Last evaluated 2025-10-23.

Conditions:
Microphthalmia, syndromic 11 (MCOPS11). Identifiers: MedGen C3553077, MONDO:0013734, OMIM 614402.

Allele frequency attached by ClinVar (database versions not stated): gnomAD 0.00086 and 0.00099; TOPMed 0.00090; 1000 Genomes Project 30x 0.00094; 1000 Genomes Project 0.00120; ESP Exome Variant Server 0.00138; gnomAD exomes 0.00174 and 0.00179; ExAC 0.00207.
gnomAD v4.1: 2,774 of 1,613,870 alleles (0.17%); highest among the groups gnomAD compares: Middle Eastern, 1.2%; 6 homozygotes.

Submissions (4):

Labcorp Genetics (formerly Invitae), Labcorp
Classification: Benign for Microphthalmia, syndromic 11. Last evaluated: 2025-10-23. Review status: criteria provided, single submitter. Criteria: Invitae Variant Classification Sherloc (09022015). Collection method: clinical testing. Allele origin: germline.

Blueprint Genetics
Classification: Likely benign. Last evaluated: 2024-11-26. Review status: criteria provided, single submitter. Criteria: ACMG Guidelines, 2015. Collection method: clinical testing. Allele origin: germline.

CeGaT Center for Human Genetics Tuebingen
Classification: Likely benign. Last evaluated: 2022-07-01. Review status: criteria provided, single submitter. Criteria: CeGaT Center For Human Genetics Tuebingen Variant Classification Criteria Version 2. Collection method: clinical testing. Allele origin: germline. Affected: yes. Observed: 1 variant allele.
Comment: VAX1: BP4, BP7

Breakthrough Genomics
Classification: Benign. Review status: criteria provided, single submitter. Criteria: ACMG Guidelines, 2015. Collection method: not provided. Allele origin: germline. Inheritance: Autosomal recessive inheritance. Affected: yes.